The following is an entry in ClinVar:

ClinVar aggregate classification (germline): Uncertain significance (1 of 4 stars; one submission).

Conditions:
Neuromuscular disease caused by qualitative or quantitative defects of dysferlin. Also called: Dysferlinopathy; Qualitative or quantitative defects of dysferlin. Identifiers: Orphanet 207073, MedGen C2931687, MONDO:0016145.

gnomAD v4.1: 1 of 1,614,074 alleles (0.000062%); highest among the groups gnomAD compares: Non-Finnish European, 0.000085%; no homozygotes.

Submission:

Labcorp Genetics (formerly Invitae), Labcorp
Classification: Uncertain significance for Neuromuscular disease caused by qualitative or quantitative defects of dysferlin. Last evaluated: 2025-11-25. Review status: criteria provided, single submitter. Criteria: Invitae Variant Classification Sherloc (09022015). Collection method: clinical testing. Allele origin: germline.
Comment: This sequence change replaces glutamic acid, which is acidic and polar, with lysine, which is basic and polar, at codon 1009 of the DYSF protein (p.Glu1009Lys). This variant is not present in population databases (gnomAD no frequency). This missense change has been observed in individual(s) with clinical features of DYSF-related myopathy (internal data). Invitae Evidence Modeling of protein sequence and biophysical properties (such as structural, functional, and spatial information, amino acid conservation, physicochemical variation, residue mobility, and thermodynamic stability) indicates that this missense variant is expected to disrupt DYSF protein function with a positive predictive value of 80%. This variant disrupts the p.Glu1009 amino acid residue in DYSF. Other variant(s) that disrupt this residue have been observed in individuals with DYSF-related conditions (36319958. internal data), which suggests that this may be a clinically significant amino acid residue. In summary, the available evidence is currently insufficient to determine the role of this variant in disease. Therefore, it has been classified as a Variant of Uncertain Significance.

NM_001130987.2(DYSF):c.3079G>A (p.Glu1027Lys)

Gene: DYSF (dysferlin; plus strand). Cytogenetic location: 2p13.2.
Variant type: single nucleotide variant.
Coding change: c.3079G>A on transcript NM_001130987.2 (MANE Select); coding-DNA position 3079, G replaced by A.
Protein change: p.Glu1027Lys; replaces glutamic acid 1027 with lysine.
Molecular consequence: missense variant.
Genome position (GRCh38, 1-based): chr2:71,570,328, G>A. VCF-style: chr2-71570328-G-A. GRCh37 (hg19) VCF-style: chr2-71797458-G-A.
Other names: c.3025G>A, p.Glu1009Lys (NM_003494.4, NM_001130978.2); c.3028G>A, p.Glu1010Lys (NM_001130455.2, NM_001130983.2); c.2983G>A, p.Glu995Lys (NM_001130976.2, NM_001130977.2); c.3118G>A, p.Glu1040Lys (NM_001130979.2); c.3076G>A, p.Glu1026Lys (NM_001130980.2, NM_001130981.2); c.3121G>A, p.Glu1041Lys (NM_001130982.2); c.2986G>A, p.Glu996Lys (NM_001130984.2, NM_001130986.2); c.3079G>A, p.Glu1027Lys (NM_001130985.2); short protein forms E1026K, E1041K, E995K, E1027K, E1040K, E1009K, E1010K, E996K.
Identifiers: ClinVar variation 4692787 (VCV004692787.1).